The following is an entry in ClinVar:

NM_001035.3(RYR2):c.4751C>A (p.Pro1584Gln)

Gene: RYR2 (ryanodine receptor 2; plus strand). Cytogenetic location: 1q43.
Variant type: single nucleotide variant.
Coding change: c.4751C>A on transcript NM_001035.3 (MANE Select); coding-DNA position 4751, C replaced by A.
Protein change: p.Pro1584Gln; replaces proline 1584 with glutamine.
Molecular consequence: missense variant.
Genome position (GRCh38, 1-based): chr1:237,610,829, C>A. VCF-style: chr1-237610829-C-A. GRCh37 (hg19) VCF-style: chr1-237774129-C-A.
Other names: short protein forms P1584Q.
Identifiers: ClinVar variation 3633796 (VCV003633796.2).

ClinVar aggregate classification (germline): Uncertain significance (1 of 4 stars; one submission).

Conditions:
Catecholaminergic polymorphic ventricular tachycardia 1. Also called: VENTRICULAR TACHYCARDIA, CATECHOLAMINERGIC POLYMORPHIC, 1, WITH OR WITHOUT ATRIAL DYSFUNCTION AND/OR DILATED CARDIOMYOPATHY; RYR2-Related Catecholaminergic Polymorphic Ventricular Tachycardia; VENTRICULAR TACHYCARDIA, STRESS-INDUCED POLYMORPHIC 1. Identifiers: Orphanet 3286, MedGen C1631597, MONDO:0011484, OMIM 604772.

Submission:

Labcorp Genetics (formerly Invitae), Labcorp
Classification: Uncertain significance for Catecholaminergic polymorphic ventricular tachycardia 1. Last evaluated: 2024-08-11. Review status: criteria provided, single submitter. Criteria: Invitae Variant Classification Sherloc (09022015). Collection method: clinical testing. Allele origin: germline.
Comment: This sequence change replaces proline, which is neutral and non-polar, with glutamine, which is neutral and polar, at codon 1584 of the RYR2 protein (p.Pro1584Gln). This variant is not present in population databases (gnomAD no frequency). This variant has not been reported in the literature in individuals affected with RYR2-related conditions. Advanced modeling of protein sequence and biophysical properties (such as structural, functional, and spatial information, amino acid conservation, physicochemical variation, residue mobility, and thermodynamic stability) performed at Invitae indicates that this missense variant is expected to disrupt RYR2 protein function with a positive predictive value of 95%. In summary, the available evidence is currently insufficient to determine the role of this variant in disease. Therefore, it has been classified as a Variant of Uncertain Significance.